The following is an entry in ClinVar:

ClinVar aggregate classification (germline): Uncertain significance. Review status: criteria provided, multiple submitters, no conflicts (2 of 4 stars). 2 submissions from 2 submitters: Uncertain significance (2). Last evaluated 2022-05-04.

Conditions:
Huntington disease-like 1 (HDL1). Also called: PRION DISEASE, EARLY-ONSET, WITH PROMINENT PSYCHIATRIC FEATURES; HUNTINGTON-LIKE NEURODEGENERATIVE DISORDER 1; HUNTINGTON-LIKE NEURODEGENERATIVE DISORDER, AUTOSOMAL DOMINANT. Identifiers: Orphanet 157941, MedGen C1864112, MONDO:0011299, OMIM 603218.

Allele frequency attached by ClinVar (database versions not stated): gnomAD exomes below 0.00001 and 0.00001; gnomAD 0.00001; TOPMed 0.00003.
gnomAD v4.1: 11 of 1,613,822 alleles (0.00068%); highest among the groups gnomAD compares: Middle Eastern, 0.016%; no homozygotes.

Submissions (2):

Mendelics
Classification: Uncertain significance. Last evaluated: 2022-05-04. Review status: criteria provided, single submitter. Criteria: Mendelics Assertion Criteria 2019. Collection method: clinical testing. Allele origin: germline.

Labcorp Genetics (formerly Invitae), Labcorp
Classification: Uncertain significance for Huntington disease-like 1. Last evaluated: 2022-02-10. Review status: criteria provided, single submitter. Criteria: Invitae Variant Classification Sherloc (09022015). Collection method: clinical testing. Allele origin: germline.
Comment: ClinVar contains an entry for this variant (Variation ID: 1005336). This sequence change replaces serine, which is neutral and polar, with asparagine, which is neutral and polar, at codon 97 of the PRNP protein (p.Ser97Asn). This variant is present in population databases (rs56362942, gnomAD 0.02%). This missense change has been observed in individual(s) with prion disease (PMID: 17851697, 18425766). Algorithms developed to predict the effect of missense changes on protein structure and function output the following: SIFT: "Tolerated"; PolyPhen-2: "Benign"; Align-GVGD: "Class C0". The asparagine amino acid residue is found in multiple mammalian species, which suggests that this missense change does not adversely affect protein function. In summary, the available evidence is currently insufficient to determine the role of this variant in disease. Therefore, it has been classified as a Variant of Uncertain Significance.

Literature cited by the submitters: PubMed 17851697 (cited by Labcorp Genetics (formerly Invitae), Labcorp); PubMed 18425766 (cited by Labcorp Genetics (formerly Invitae), Labcorp).

NM_000311.5(PRNP):c.290G>A (p.Ser97Asn)

Gene: PRNP (prion protein (Kanno blood group); plus strand). Cytogenetic location: 20p13.
Variant type: single nucleotide variant.
Coding change: c.290G>A on transcript NM_000311.5 (MANE Select); coding-DNA position 290, G replaced by A.
Protein change: p.Ser97Asn; replaces serine 97 with asparagine.
Molecular consequence: missense variant. On other transcripts: synonymous variant (1).
Genome position (GRCh38, 1-based): chr20:4,699,510, G>A. VCF-style: chr20-4699510-G-A. GRCh37 (hg19) VCF-style: chr20-4680156-G-A.
Other names: c.290G>A, p.Ser97Asn (NM_001080121.3, NM_001080122.3, NM_001080123.3 and 1 more transcripts); c.201G>A, p.Gln67= (NM_001271561.3); short protein forms S97N.
Identifiers: ClinVar variation 1005336 (VCV001005336.9), dbSNP rs56362942, ClinGen allele CA311093299.